The following is an entry in ClinVar:

ClinVar aggregate classification (germline): Uncertain significance. Review status: criteria provided, multiple submitters, no conflicts (2 of 4 stars). 2 submissions from 2 submitters: Uncertain significance (2). Last evaluated 2024-09-01.

Conditions:
Inborn genetic diseases. Identifiers: MedGen C0950123, MeSH D030342.
Hyper-IgE recurrent infection syndrome 3, autosomal recessive. Also called: Autosomal recessive hyper-IgE syndrome due to ZNF341 deficiency; HYPER-IgE SYNDROME 3, AUTOSOMAL RECESSIVE, WITH RECURRENT INFECTIONS. Identifiers: Orphanet 641368, MedGen C4748969, MONDO:0032654, OMIM 618282.

Allele frequency attached by ClinVar (database versions not stated): gnomAD exomes below 0.00001; ExAC 0.00001.
gnomAD v4.1: 1 of 1,614,152 alleles (0.000062%); highest among the groups gnomAD compares: East Asian, 0.0022%; no homozygotes.

Submissions (2):

Ambry Genetics
Classification: Uncertain significance for Inborn genetic diseases. Last evaluated: 2024-09-01. Review status: criteria provided, single submitter. Criteria: Ambry Variant Classification Scheme 2023. Collection method: clinical testing. Allele origin: germline.

Labcorp Genetics (formerly Invitae), Labcorp
Classification: Uncertain significance for Combined immunodeficiency due to DOCK8 deficiency. Last evaluated: 2019-05-31. Review status: criteria provided, single submitter. Criteria: Invitae Variant Classification Sherloc (09022015). Collection method: clinical testing. Allele origin: germline.
Comment: This variant has not been reported in the literature in individuals with DOCK8-related conditions. This sequence change replaces histidine with glutamine at codon 304 of the DOCK8 protein (p.His304Gln). The histidine residue is moderately conserved and there is a small physicochemical difference between histidine and glutamine. This variant is present in population databases (rs758600946, ExAC 0.01%). Algorithms developed to predict the effect of missense changes on protein structure and function are either unavailable or do not agree on the potential impact of this missense change (SIFT: "Deleterious"; PolyPhen-2: "Benign"; Align-GVGD: "Class C0"). In summary, the available evidence is currently insufficient to determine the role of this variant in disease. Therefore, it has been classified as a Variant of Uncertain Significance.

NM_203447.4(DOCK8):c.912C>A (p.His304Gln)

Gene: DOCK8 (dedicator of cytokinesis 8; plus strand). Cytogenetic location: 9p24.3.
Variant type: single nucleotide variant.
Coding change: c.912C>A on transcript NM_203447.4 (MANE Select); coding-DNA position 912, C replaced by A.
Protein change: p.His304Gln; replaces histidine 304 with glutamine.
Molecular consequence: missense variant.
Genome position (GRCh38, 1-based): chr9:328,039, C>A. VCF-style: chr9-328039-C-A. GRCh37 (hg19) VCF-style: chr9-328039-C-A.
Other names: c.708C>A, p.His236Gln (NM_001190458.2, NM_001193536.2); short protein forms H236Q, H304Q.
Identifiers: ClinVar variation 948815 (VCV000948815.9), dbSNP rs758600946, ClinGen allele CA4957530.
Genomic context (GRCh38, chr9:328,039, plus strand): 5'-GCAACAGGTCTAACTTATATTTCACTTTGCTGCTCATTTACAGATCTCAGAAAATTTTCA[C>A]TGTGACCTGAACTCTGACCAGTTCAAAGGATTTCTGCGAGCTCACACGCCTTCAGTGGCC-3'
Protein context (NP_982272.2, residues 294-314): KERKKISENF[His304Gln]CDLNSDQFKG